The following is an entry in ClinVar:

ClinVar aggregate classification (germline): Uncertain significance (1 of 4 stars; one submission).

Allele frequency attached by ClinVar (database versions not stated): gnomAD 0.00001; gnomAD exomes 0.00001; TOPMed 0.00001.
gnomAD v4.1: 18 of 1,614,060 alleles (0.0011%); highest among the groups gnomAD compares: Admixed American, 0.0017%; no homozygotes.

Submission:

Labcorp Genetics (formerly Invitae), Labcorp
Classification: Uncertain significance. Last evaluated: 2022-02-04. Review status: criteria provided, single submitter. Criteria: Invitae Variant Classification Sherloc (09022015). Collection method: clinical testing. Allele origin: germline.
Comment: In summary, the available evidence is currently insufficient to determine the role of this variant in disease. Therefore, it has been classified as a Variant of Uncertain Significance. Algorithms developed to predict the effect of missense changes on protein structure and function output the following: SIFT: "Deleterious"; PolyPhen-2: "Benign"; Align-GVGD: "Class C0". The arginine amino acid residue is found in multiple mammalian species, which suggests that this missense change does not adversely affect protein function. This variant has not been reported in the literature in individuals affected with WDR62-related conditions. This variant is not present in population databases (gnomAD no frequency). This sequence change replaces proline, which is neutral and non-polar, with arginine, which is basic and polar, at codon 1118 of the WDR62 protein (p.Pro1118Arg).

NM_001083961.2(WDR62):c.3353C>G (p.Pro1118Arg)

Gene: WDR62 (WD repeat domain 62; plus strand). Cytogenetic location: 19q13.12.
Variant type: single nucleotide variant.
Coding change: c.3353C>G on transcript NM_001083961.2 (MANE Select); coding-DNA position 3353, C replaced by G.
Protein change: p.Pro1118Arg; replaces proline 1118 with arginine.
Molecular consequence: missense variant.
Genome position (GRCh38, 1-based): chr19:36,102,965, C>G. VCF-style: chr19-36102965-C-G. GRCh37 (hg19) VCF-style: chr19-36593867-C-G.
Other names: c.3338C>G, p.Pro1113Arg (NM_173636.5); short protein forms P1118R, P1113R.
Identifiers: ClinVar variation 1463568 (VCV001463568.8), dbSNP rs1973467126, ClinGen allele CA405452700.